The following is an entry in ClinVar:

ClinVar aggregate classification (germline): Likely pathogenic (1 of 4 stars; one submission).

Submission:

GeneDx
Classification: Likely pathogenic. Last evaluated: 2017-04-26. Review status: criteria provided, single submitter. Criteria: GeneDx Variant Classification (06012015). Collection method: clinical testing. Allele origin: germline. Affected: yes.
Comment: The c.261delG variant in the AMER1 gene has not been reported previously as a pathogenic variant nor as a benign variant, to our knowledge. The c.261delG variant causes a frameshift starting with codon Glycine 89, changes this amino acid to a Valine residue, and creates a premature Stop codon at position 11 of the new reading frame, denoted p.Gly89ValfsX11. This variant is predicted to cause loss of normal protein function through protein truncation. The c.261delG variant is not observed in large population cohorts (Lek et al., 2016; 1000 Genomes Consortium et al., 2015; Exome Variant Server). We interpret c.261delG as a likely pathogenic variant.

NM_152424.4(AMER1):c.261del (p.Gly89fs)

Gene: AMER1 (APC membrane recruitment protein 1; minus strand). Cytogenetic location: Xq11.2.
Variant type: Deletion.
Coding change: c.261del on transcript NM_152424.4 (MANE Select); coding-DNA position 261, one base deleted (G; older notation c.261delG).
Protein change: p.Gly89fs; shifts the reading frame from glycine 89.
Molecular consequence: frameshift variant.
Genome position (GRCh38, 1-based): chrX:64,193,026, C deleted on the plus strand (G on the coding strand, the reverse complement: AMER1 is on the minus strand). VCF-style (leftmost placement, unchanged base first): chrX-64193025-TC-T. GRCh37 (hg19) VCF-style: chrX-63412905-TC-T.
Other names: short protein forms G89fs.
Identifiers: ClinVar variation 426215 (VCV000426215.2), dbSNP rs1085307505, ClinGen allele CA645294131.